The following is an entry in ClinVar:

NM_003835.4(RGS9):c.2014_2017delinsAAGGTCATCT (p.Glu672_Ser673delinsLysValIleCys)

Gene: RGS9 (regulator of G protein signaling 9; plus strand). Cytogenetic location: 17q24.1.
Variant type: Indel.
Coding change: c.2014_2017delinsAAGGTCATCT on transcript NM_003835.4 (MANE Select); coding-DNA positions 2014 to 2017, GAGA replaced by AAGGTCATCT.
Protein change: p.Glu672_Ser673delinsLysValIleCys.
Molecular consequence: inframe indel.
Genome position (GRCh38, 1-based): chr17:65,227,396-65,227,399, GAGA replaced by AAGGTCATCT. VCF-style: chr17-65227396-GAGA-AAGGTCATCT. GRCh37 (hg19) VCF-style: chr17-63223514-GAGA-AAGGTCATCT.
Other names: c.2005_2008delinsAAGGTCATCT, p.Glu669_Ser670delinsLysValIleCys (NM_001081955.3).
Identifiers: ClinVar variation 2010024 (VCV002010024.4), dbSNP rs2509456471, ClinGen allele CA2580094679.

ClinVar aggregate classification (germline): Uncertain significance (1 of 4 stars; one submission).

Submission:

Labcorp Genetics (formerly Invitae), Labcorp
Classification: Uncertain significance. Last evaluated: 2021-11-27. Review status: criteria provided, single submitter. Criteria: Invitae Variant Classification Sherloc (09022015). Collection method: clinical testing. Allele origin: germline.
Comment: This variant, c.2014_2017delinsAAGGTCATCT, is a complex sequence change that results in the deletion of 2 and insertion of 4 amino acid(s) in the RGS9 protein (p.Glu672_Ser673delinsLysValIleCys). This variant is not present in population databases (gnomAD no frequency). This variant has not been reported in the literature in individuals affected with RGS9-related conditions. Algorithms developed to predict the effect of sequence changes on RNA splicing suggest that this variant may create or strengthen a splice site. In summary, the available evidence is currently insufficient to determine the role of this variant in disease. Therefore, it has been classified as a Variant of Uncertain Significance.